The following is an entry in ClinVar:

NM_001323289.2(CDKL5):c.573C>G (p.Ser191=)

Gene: CDKL5 (cyclin dependent kinase like 5; plus strand). Cytogenetic location: Xp22.13.
Variant type: single nucleotide variant.
Coding change: c.573C>G on transcript NM_001323289.2 (MANE Select); coding-DNA position 573, C replaced by G.
Protein change: p.Ser191=; no amino-acid change (serine 191 retained).
Molecular consequence: synonymous variant.
Genome position (GRCh38, 1-based): chrX:18,587,972, C>G. VCF-style: chrX-18587972-C-G. GRCh37 (hg19) VCF-style: chrX-18606092-C-G.
Other names: NM_001323289.2(CDKL5):c.573C>G; p.Ser191=; c.573C>G, p.Ser191= (NM_001037343.2, NM_003159.3).
Identifiers: ClinVar variation 189540 (VCV000189540.11), dbSNP rs786204958, ClinGen allele CA199352.
Genomic context (GRCh38, chrX:18,587,972, plus strand): 5'-ATTTTTTCAGTTGCCAAAATAATCTCTTCCTTTATTTTTCAGCGCTCCCTATGGAAAGTC[C>G]GTGGACATGTGGTCGGTGGGCTGTATTCTTGGGGAGCTTAGCGATGGACAGCCTTTATTT-3'
Protein context (NP_001310218.1, residues 181-201): ELLLGAPYGK[Ser191=]VDMWSVGCIL

ClinVar aggregate classification (germline): Benign/Likely benign. Review status: criteria provided, multiple submitters, no conflicts (2 of 4 stars). 3 submissions from 3 submitters: Benign (1); Likely benign (1). 1 of the submissions does not count toward it. Last evaluated 2026-01-27.

Conditions:
CDKL5 disorder. Identifiers: MedGen CN296942, MONDO:0100039.
Developmental and epileptic encephalopathy, 2 (DEE2). Also called: INFANTILE SPASM SYNDROME, X-LINKED 2; CDKL5 deficiency disorder. Identifiers: Orphanet 1934, Orphanet 3451, Orphanet 505652, MedGen C4750718, MONDO:0010396, OMIM 300672.
Angelman syndrome-like. Identifiers: MedGen CN128785.

Allele frequency attached by ClinVar (database versions not stated): TOPMed 0.00001.
gnomAD v4.1: 2 of 1,208,497 alleles (0.00017%); highest among the groups gnomAD compares: African/African-American, 0.0035%; no homozygotes.

Submissions (3):

Labcorp Genetics (formerly Invitae), Labcorp
Classification: Benign for Developmental and epileptic encephalopathy, 2; Angelman syndrome-like. Last evaluated: 2026-01-27. Review status: criteria provided, single submitter. Criteria: Invitae Variant Classification Sherloc (09022015). Collection method: clinical testing. Allele origin: germline.

Centre for Population Genomics, CPG
Classification: Likely benign for CDKL5 disorder. Last evaluated: 2024-07-11. Review status: criteria provided, single submitter. Criteria: McKnight et al. (Hum Mutat. 2022). Collection method: curation. Allele origin: germline. Inheritance: X-linked inheritance.
Comment: This variant has been collected from RettBASE and curated to current modified ACMG/AMP criteria. Based on the classification scheme defined by the ClinGen Rett/Angelman-like Expert Panel for Rett/AS-like Disorders Specifications to the ACMG/AMP Variant Interpretation Guidelines VCEP 3.0, this variant is classified as likely benign. At least the following criteria are met: The variant is observed in at least 2 individuals with no features of CDKL5 disorder (BS2). PMID 23064044 , present in 5 individuals in gnomAD v4, however the allele frequency of this variant is in all populations < 0.008%. Synonymous or intronic variant outside donor and acceptor splice regions where splicing prediction algorithms do not support significant splicing alteration (spliceAI score <=0.1) (BP4, BP7).

RettBASE
Classification: Benign. Last evaluated: 2014-05-09. Review status: no assertion criteria provided. Collection method: curation. Allele origin: paternal, unknown. Observed: 2 variant alleles. Not counted in ClinVar's aggregate classification.

Literature cited by the submitters: PubMed 23064044 (cited by RettBASE).